The following is an entry in ClinVar:

NM_024642.5(GALNT12):c.172C>T (p.Pro58Ser)

Gene: GALNT12 (polypeptide N-acetylgalactosaminyltransferase 12; plus strand). Cytogenetic location: 9q22.33.
Variant type: single nucleotide variant.
Coding change: c.172C>T on transcript NM_024642.5 (MANE Select); coding-DNA position 172, C replaced by T.
Protein change: p.Pro58Ser; replaces proline 58 with serine.
Molecular consequence: missense variant.
Genome position (GRCh38, 1-based): chr9:98,807,870, C>T. VCF-style: chr9-98807870-C-T. GRCh37 (hg19) VCF-style: chr9-101570152-C-T.
Other names: short protein forms P58S.
Identifiers: ClinVar variation 4826983 (VCV004826983.1).

ClinVar aggregate classification (germline): Uncertain significance (1 of 4 stars; one submission).

Submission:

Ambry Genetics
Classification: Uncertain significance. Last evaluated: 2026-03-03. Review status: criteria provided, single submitter. Criteria: Ambry Variant Classification Scheme 2023. Collection method: clinical testing. Allele origin: germline.
Comment: The p.P58S variant (also known as c.172C>T), located in coding exon 1 of the GALNT12 gene, results from a C to T substitution at nucleotide position 172. The proline at codon 58 is replaced by serine, an amino acid with similar properties. This amino acid position is conserved. In addition, this alteration is predicted to be tolerated by in silico analysis. Based on the available evidence, the clinical significance of this variant remains unclear.